The following is an entry in ClinVar:

ClinVar aggregate classification (germline): Benign/Likely benign. Review status: criteria provided, multiple submitters, no conflicts (2 of 4 stars). 4 submissions from 4 submitters: Benign (1); Likely benign (3). Last evaluated 2025-09-23.

Conditions:
Glycogen storage disease due to lactate dehydrogenase M-subunit deficiency (GSD11). Also called: Glycogen storage disease XI; GSD XI; LACTATE DEHYDROGENASE A DEFICIENCY. Identifiers: Orphanet 284426, MedGen C2931743, MONDO:0013047, OMIM 612933.

Allele frequency attached by ClinVar (database versions not stated): ExAC 0.00043; 1000 Genomes Project 30x 0.00125; 1000 Genomes Project 0.00160; gnomAD 0.00004 and 0.00021; TOPMed 0.00017; gnomAD exomes 0.00037 and 0.00038.
gnomAD v4.1: 573 of 1,613,938 alleles (0.036%); highest among the groups gnomAD compares: East Asian, 1.2%; 4 homozygotes.

Submissions (4):

Labcorp Genetics (formerly Invitae), Labcorp
Classification: Benign for Glycogen storage disease due to lactate dehydrogenase M-subunit deficiency. Last evaluated: 2025-09-23. Review status: criteria provided, single submitter. Criteria: Invitae Variant Classification Sherloc (09022015). Collection method: clinical testing. Allele origin: germline.

Blueprint Genetics
Classification: Likely benign. Last evaluated: 2023-05-23. Review status: criteria provided, single submitter. Criteria: ACMG Guidelines, 2015. Collection method: clinical testing. Allele origin: germline.

Fulgent Genetics
Classification: Likely benign for Glycogen storage disease due to lactate dehydrogenase M-subunit deficiency. Last evaluated: 2021-08-24. Review status: criteria provided, single submitter. Criteria: ACMG Guidelines, 2015. Collection method: clinical testing. Allele origin: unknown.

Illumina Laboratory Services, Illumina
Classification: Likely benign for Glycogen storage disease due to lactate dehydrogenase M-subunit deficiency. Last evaluated: 2018-01-13. Review status: criteria provided, single submitter. Criteria: ICSL Variant Classification Criteria 13 December 2019. Collection method: clinical testing. Allele origin: germline.
Comment: This variant was observed in the ICSL laboratory as part of a predisposition screen in an ostensibly healthy population. It had not been previously curated by ICSL or reported in the Human Gene Mutation Database (HGMD: prior to June 1st, 2018), and was therefore a candidate for classification through an automated scoring system. Utilizing variant allele frequency, disease prevalence and penetrance estimates, and inheritance mode, an automated score was calculated to assess if this variant is too frequent to cause the disease. Based on the score and internal cut-off values, a variant classified as likely benign is not then subjected to further curation. The score for this variant resulted in a classification of likely benign for this disease.

NM_005566.4(LDHA):c.951G>A (p.Lys317=)

Gene: LDHA (lactate dehydrogenase A; plus strand). Cytogenetic location: 11p15.1.
Variant type: single nucleotide variant.
Coding change: c.951G>A on transcript NM_005566.4 (MANE Select); coding-DNA position 951, G replaced by A.
Protein change: p.Lys317=; no amino-acid change (lysine 317 retained).
Molecular consequence: synonymous variant. On other transcripts: 3 prime UTR variant (1), non-coding transcript variant (1), intron variant (1).
Genome position (GRCh38, 1-based): chr11:18,407,233, G>A. VCF-style: chr11-18407233-G-A. GRCh37 (hg19) VCF-style: chr11-18428780-G-A.
Other names: c.777G>A, p.Lys259= (NM_001135239.2); c.1038G>A, p.Lys346= (NM_001165414.2); c.*101G>A (NM_001165416.2); c.688-6G>A (NM_001165415.2).
Identifiers: ClinVar variation 303917 (VCV000303917.15), dbSNP rs145889467, ClinGen allele CA5911443.